The following is an entry in ClinVar:

NM_000500.9(CYP21A2):c.680_689del (p.Leu227fs)

Genes: CYP21A2 (cytochrome P450 family 21 subfamily A member 2; plus strand), LOC106780800 (CYP21A2 recombination region; plus strand). Cytogenetic location: 6p21.33.
Variant type: Deletion.
Coding change: c.680_689del on transcript NM_000500.9 (MANE Select); coding-DNA positions 680 to 689, 10 bases deleted (TGAAGCAGGC; older notation c.680_689delTGAAGCAGGC).
Protein change: p.Leu227fs; shifts the reading frame from leucine 227.
Molecular consequence: frameshift variant.
Genome position (GRCh38, 1-based): chr6:32,039,777-32,039,786, TGAAGCAGGC deleted; deleting any 10 consecutive bases within chr6:32,039,773-32,039,786 gives the same sequence; the c. name uses the placement nearest the transcript's 3' end. VCF-style (leftmost placement, unchanged base first): chr6-32039772-GAGGCTGAAGC-G. GRCh37 (hg19) VCF-style: chr6-32007549-GAGGCTGAAGC-G.
Other names: c.590_599del, p.Leu197fs (NM_001128590.4); c.275_284del, p.Leu92fs (NM_001368143.2, NM_001368144.2); short protein forms L197fs, L92fs, L227fs.
Identifiers: ClinVar variation 2749742 (VCV002749742.3), dbSNP rs2483326407, ClinGen allele CA2697546653.

ClinVar aggregate classification (germline): Pathogenic (1 of 4 stars; one submission).

Submission:

Labcorp Genetics (formerly Invitae), Labcorp
Classification: Pathogenic. Last evaluated: 2023-08-03. Review status: criteria provided, single submitter. Criteria: Invitae Variant Classification Sherloc (09022015). Collection method: clinical testing. Allele origin: germline.
Comment: This sequence change creates a premature translational stop signal (p.Leu227Profs*2) in the CYP21A2 gene. It is expected to result in an absent or disrupted protein product. Loss-of-function variants in CYP21A2 are known to be pathogenic (PMID: 10857554). The frequency data for this variant in the population databases (gnomAD) is considered unreliable due to the presence of homologous sequence, such as pseudogenes or paralogs, in the genome. This variant has not been reported in the literature in individuals affected with CYP21A2-related conditions. For these reasons, this variant has been classified as Pathogenic.

Literature cited by the submitters: PubMed 10857554.